The following is an entry in ClinVar:

NM_020822.3(KCNT1):c.2184G>C (p.Leu728=)

Gene: KCNT1 (potassium sodium-activated channel subfamily T member 1; plus strand). Cytogenetic location: 9q34.3.
Variant type: single nucleotide variant.
Coding change: c.2184G>C on transcript NM_020822.3 (MANE Select); coding-DNA position 2184, G replaced by C.
Protein change: p.Leu728=; no amino-acid change (leucine 728 retained).
Molecular consequence: synonymous variant.
Genome position (GRCh38, 1-based): chr9:135,772,890, G>C. VCF-style: chr9-135772890-G-C. GRCh37 (hg19) VCF-style: chr9-138664736-G-C.
Other names: c.2049G>C, p.Leu683= (NM_001272003.2).
Identifiers: ClinVar variation 387668 (VCV000387668.1), dbSNP rs1057522862, ClinGen allele CA16605621.
Genomic context (GRCh38, chr9:135,772,890, plus strand): 5'-CAGCATCGCGCCCGTCCTGGAACTGGCCGACAGCTCAGCCCTGCTGCCCTGCGACCTGCT[G>C]AGCGACCAGTCGGAGGATGAGGTGACGCCGTCGGACGACGAGGGGCTCTCCGTGGTAGAG-3'
Protein context (NP_065873.2, residues 718-738): DSSALLPCDL[Leu728=]SDQSEDEVTP

ClinVar aggregate classification (germline): Likely benign (1 of 4 stars; one submission).

Submission:

GeneDx
Classification: Likely benign. Last evaluated: 2016-07-14. Review status: criteria provided, single submitter. Criteria: GeneDx Variant Classification (06012015). Collection method: clinical testing. Allele origin: germline. Affected: yes.
Comment: This variant is considered likely benign or benign based on one or more of the following criteria: it is a conservative change, it occurs at a poorly conserved position in the protein, it is predicted to be benign by multiple in silico algorithms, and/or has population frequency not consistent with disease.